The following is an entry in ClinVar:

ClinVar aggregate classification (germline): Uncertain significance (1 of 4 stars; one submission).

Conditions:
Primary ciliary dyskinesia. Also called: Ciliary dyskinesia. Identifiers: Orphanet 244, MedGen C0008780, MONDO:0016575, HP:0012265.

Allele frequency attached by ClinVar (database versions not stated): gnomAD exomes below 0.00001.
gnomAD v4.1: 1 of 1,612,592 alleles (0.000062%); highest among the groups gnomAD compares: Non-Finnish European, 0.000085%; no homozygotes.

Submission:

Labcorp Genetics (formerly Invitae), Labcorp
Classification: Uncertain significance for Primary ciliary dyskinesia. Last evaluated: 2019-11-21. Review status: criteria provided, single submitter. Criteria: Invitae Variant Classification Sherloc (09022015). Collection method: clinical testing. Allele origin: germline.
Comment: In summary, the available evidence is currently insufficient to determine the role of this variant in disease. Therefore, it has been classified as a Variant of Uncertain Significance. Algorithms developed to predict the effect of missense changes on protein structure and function are either unavailable or do not agree on the potential impact of this missense change (SIFT: "Deleterious"; PolyPhen-2: "Probably Damaging"; Align-GVGD: "Class C0"). This variant has not been reported in the literature in individuals with DNAH11-related conditions. This variant is not present in population databases (ExAC no frequency). This sequence change replaces serine with asparagine at codon 2375 of the DNAH11 protein (p.Ser2375Asn). The serine residue is highly conserved and there is a small physicochemical difference between serine and asparagine.

NM_001277115.2(DNAH11):c.7124G>A (p.Ser2375Asn)

Gene: DNAH11 (dynein axonemal heavy chain 11; plus strand). Cytogenetic location: 7p15.3.
Variant type: single nucleotide variant.
Coding change: c.7124G>A on transcript NM_001277115.2 (MANE Select); coding-DNA position 7124, G replaced by A.
Protein change: p.Ser2375Asn; replaces serine 2375 with asparagine.
Molecular consequence: missense variant.
Genome position (GRCh38, 1-based): chr7:21,717,915, G>A. VCF-style: chr7-21717915-G-A. GRCh37 (hg19) VCF-style: chr7-21757533-G-A.
Other names: short protein forms S2375N.
Identifiers: ClinVar variation 843586 (VCV000843586.10), dbSNP rs1784726076, ClinGen allele CA366943516.